The following is an entry in ClinVar:

NM_000540.3(RYR1):c.2543C>T (p.Thr848Ile)

Gene: RYR1 (ryanodine receptor 1; plus strand). Cytogenetic location: 19q13.2.
Variant type: single nucleotide variant.
Coding change: c.2543C>T on transcript NM_000540.3 (MANE Select); coding-DNA position 2543, C replaced by T.
Protein change: p.Thr848Ile; replaces threonine 848 with isoleucine.
Molecular consequence: missense variant.
Genome position (GRCh38, 1-based): chr19:38,460,557, C>T. VCF-style: chr19-38460557-C-T. GRCh37 (hg19) VCF-style: chr19-38951197-C-T.
Other names: c.2543C>T, p.Thr848Ile (NM_001042723.2); short protein forms T848I.
Identifiers: ClinVar variation 4757631 (VCV004757631.1).
Genomic context (GRCh38, chr19:38,460,557, plus strand): 5'-ATCGACGGGAGGGGCCCCGGGGGCCTCACCTGGTGGGCCCCAGTCGCTGCCTCTCACACA[C>T]CGACTTCGTGCCCTGCCCTGTGGACACTGTCCAGGTACTGCCTGCCCTGCAAAGGTTTTC-3'
Protein context (NP_000531.2, residues 838-858): LVGPSRCLSH[Thr848Ile]DFVPCPVDTV

ClinVar aggregate classification (germline): Uncertain significance (1 of 4 stars; one submission).

Conditions:
Malignant hyperthermia, susceptibility to, 1 (MHS1). Also called: RYR1-Related Malignant Hyperthermia Susceptibility; Malignant hyperthermia suceptibility 1; Anesthesia related hyperthermia; Malignant hyperpyrexia; Fulminating hyperpyrexia; Pharmacogenic myopathy. Identifiers: Orphanet 423, MedGen C2930980, MONDO:0007783, OMIM 145600.

gnomAD v4.1: 1 of 1,613,484 alleles (0.000062%); highest among the groups gnomAD compares: Admixed American, 0.0017%; no homozygotes.

Submission:

Color Diagnostics, LLC DBA Color Health
Classification: Uncertain significance for Malignant hyperthermia, susceptibility to, 1. Last evaluated: 2025-07-01. Review status: criteria provided, single submitter. Criteria: ACMG Guidelines, 2015. Collection method: clinical testing. Allele origin: germline.
Comment: This missense variant replaces threonine with isoleucine at codon 848 of the RYR1 protein. Computational prediction suggests that this variant may not impact protein structure and function. To our knowledge, functional studies have not been reported for this variant. This variant has not been reported in individuals affected with RYR1-related disorders in the literature. This variant has not been identified in the general population by the Genome Aggregation Database (gnomAD). The available evidence is insufficient to determine the role of this variant in disease conclusively. Therefore, this variant is classified as a Variant of Uncertain Significance.